The following is an entry in ClinVar:

NM_030962.4(SBF2):c.791A>G (p.Glu264Gly)

Gene: SBF2 (SET binding factor 2; minus strand). Cytogenetic location: 11p15.4.
Variant type: single nucleotide variant.
Coding change: c.791A>G on transcript NM_030962.4 (MANE Select); coding-DNA position 791, A replaced by G.
Protein change: p.Glu264Gly; replaces glutamic acid 264 with glycine.
Molecular consequence: missense variant.
Genome position (GRCh38, 1-based): chr11:10,000,984, T>C on the plus strand (A>G on the coding strand, the complement: SBF2 is on the minus strand). VCF-style: chr11-10000984-T-C. GRCh37 (hg19) VCF-style: chr11-10022531-T-C.
Other names: c.791A>G, p.Glu264Gly (NM_001386339.1, NM_001386342.1); short protein forms E264G.
Identifiers: ClinVar variation 1355322 (VCV001355322.6), dbSNP rs928271143, ClinGen allele CA217656432.
Genomic context (GRCh38, chr11:10,000,984, plus strand): 5'-ACATCAGTTTTAAAGACAGAATGTACTCCAATAATGAAAGGCGTTGGGGAACTTAGAACT[T>C]CCAGTAGCTGAGCCGGGAGAATAGGGATATAAGGATAACTGGAAATAATAAAAATATGCG-3'
Protein context (NP_112224.1, residues 254-274): YIPILPAQLL[Glu264Gly]VLSSPTPFII

ClinVar aggregate classification (germline): Uncertain significance (1 of 4 stars; one submission).

Conditions:
Charcot-Marie-Tooth disease type 4. Also called: Charcot-Marie-Tooth disease, type IV; Charcot-Marie-Tooth, Type 4. Identifiers: Orphanet 64749, MedGen C4082197, MONDO:0018995.

Allele frequency attached by ClinVar (database versions not stated): TOPMed below 0.00001; gnomAD 0.00001; gnomAD exomes 0.00001.
gnomAD v4.1: 11 of 1,604,692 alleles (0.00069%); highest among the groups gnomAD compares: Non-Finnish European, 0.00085%; no homozygotes.

Submission:

Labcorp Genetics (formerly Invitae), Labcorp
Classification: Uncertain significance for Charcot-Marie-Tooth disease type 4. Last evaluated: 2021-11-22. Review status: criteria provided, single submitter. Criteria: Invitae Variant Classification Sherloc (09022015). Collection method: clinical testing. Allele origin: germline.
Comment: In summary, the available evidence is currently insufficient to determine the role of this variant in disease. Therefore, it has been classified as a Variant of Uncertain Significance. Algorithms developed to predict the effect of missense changes on protein structure and function are either unavailable or do not agree on the potential impact of this missense change (SIFT: "Deleterious"; PolyPhen-2: "Probably Damaging"; Align-GVGD: "Class C0"). This variant has not been reported in the literature in individuals affected with SBF2-related conditions. This variant is not present in population databases (gnomAD no frequency). This sequence change replaces glutamic acid, which is acidic and polar, with glycine, which is neutral and non-polar, at codon 264 of the SBF2 protein (p.Glu264Gly).